The following is an entry in ClinVar:

NM_000359.3(TGM1):c.427C>T (p.Arg143Cys)

Gene: TGM1 (transglutaminase 1; minus strand). Cytogenetic location: 14q12.
Variant type: single nucleotide variant.
Coding change: c.427C>T on transcript NM_000359.3 (MANE Select); coding-DNA position 427, C replaced by T.
Protein change: p.Arg143Cys; replaces arginine 143 with cysteine.
Molecular consequence: missense variant.
Genome position (GRCh38, 1-based): chr14:24,261,776, G>A on the plus strand (C>T on the coding strand, the complement: TGM1 is on the minus strand). VCF-style: chr14-24261776-G-A. GRCh37 (hg19) VCF-style: chr14-24730982-G-A.
Other names: short protein forms R143C.
Identifiers: ClinVar variation 372531 (VCV000372531.21), dbSNP rs531650682, ClinGen allele CA7131416.
Genomic context (GRCh38, chr14:24,261,776, plus strand): 5'-TGCGATCAGAGGATTCATAGGTCCGGGACAGGAGGAGGAGCATATGGAAAGGCTGCCCGC[G>A]GCGCACTATCAGCTCGTCGTACTCATACTCGTCTGTGTGGTGCTCTCGGCGGTTCTGGTC-3'
Protein context (NP_000350.1, residues 133-153): EYEYDELIVR[Arg143Cys]GQPFHMLLLL

ClinVar aggregate classification (germline): Pathogenic. Review status: criteria provided, multiple submitters, no conflicts (2 of 4 stars). 7 submissions from 7 submitters: Pathogenic (6). 1 of the submissions does not count toward it. Last evaluated 2026-01-21.

Conditions:
TGM1-related disorder. Also called: TGM1-related condition.
Autosomal recessive congenital ichthyosis 1 (LI1). Also called: COLLODION FETUS; DESQUAMATION OF NEWBORN; ICHTHYOSIS CONGENITA; ICHTHYOSIS CONGENITA II; LAMELLAR EXFOLIATION OF NEWBORN; ICHTHYOSIS, CONGENITAL, AUTOSOMAL RECESSIVE 1, WITH OR WITHOUT BATHING SUIT DISTRIBUTION. Identifiers: MedGen C4551630, MONDO:0009441, OMIM 242300.

Allele frequency attached by ClinVar (database versions not stated): TOPMed 0.00005; gnomAD exomes 0.00006; gnomAD 0.00009; ExAC 0.00012; 1000 Genomes Project 30x 0.00016; 1000 Genomes Project 0.00020.
gnomAD v4.1: 60 of 1,614,094 alleles (0.0037%); highest among the groups gnomAD compares: Admixed American, 0.0033%; no homozygotes.

Submissions (7):

Labcorp Genetics (formerly Invitae), Labcorp
Classification: Pathogenic. Last evaluated: 2026-01-21. Review status: criteria provided, single submitter. Criteria: Invitae Variant Classification Sherloc (09022015). Collection method: clinical testing. Allele origin: germline.
Comment: This sequence change replaces arginine, which is basic and polar, with cysteine, which is neutral and slightly polar, at codon 143 of the TGM1 protein (p.Arg143Cys). This variant is present in population databases (rs531650682, gnomAD 0.05%). This missense change has been observed in individual(s) with TGM1-related conditions (PMID: 9326318, 26220141, 28403434). In at least one individual the data is consistent with being in trans (on the opposite chromosome) from a pathogenic variant. It has also been observed to segregate with disease in related individuals. ClinVar contains an entry for this variant (Variation ID: 372531). Invitae Evidence Modeling of protein sequence and biophysical properties (such as structural, functional, and spatial information, amino acid conservation, physicochemical variation, residue mobility, and thermodynamic stability) indicates that this missense variant is expected to disrupt TGM1 protein function with a positive predictive value of 95%. Experimental studies are conflicting or provide insufficient evidence to determine the effect of this variant on TGM1 function (PMID: 26220141). For these reasons, this variant has been classified as Pathogenic.

Natera, Inc.
Classification: Pathogenic for Autosomal recessive congenital ichthyosis type 1. Last evaluated: 2025-10-14. Review status: criteria provided, single submitter. Criteria: Natera Variant Classification Schema (03/2026). Collection method: clinical testing. Allele origin: germline.
Comment: The c.427C>T variant in TGM1 is a missense variant predicted to cause substitution of arginine to cysteine at amino acid 143. This variant is rare in the general population with a frequency below the threshold expected for the associated phenotype(s). This variant has been observed in one or more individuals affected with the associated recessive disease, as either homozygous or compound heterozygous with a second variant (PMID: 27025581). Functional studies show that this variant may disrupt protein function (PMID: 22258055). Given the available evidence, this variant is classified as Pathogenic.

Blueprint Genetics
Classification: Pathogenic for TGM1-related disorders. Last evaluated: 2024-03-19. Review status: criteria provided, single submitter. Criteria: ACMG Guidelines, 2015. Collection method: clinical testing. Allele origin: germline. Affected: yes. Observed: 5 variant alleles.

Fulgent Genetics
Classification: Pathogenic for Autosomal recessive congenital ichthyosis 1. Last evaluated: 2024-02-17. Review status: criteria provided, single submitter. Criteria: ACMG Guidelines, 2015. Collection method: clinical testing. Allele origin: germline.

GeneDx
Classification: Pathogenic. Last evaluated: 2021-04-16. Review status: criteria provided, single submitter. Criteria: GeneDx Variant Classification Process June 2021. Collection method: clinical testing. Allele origin: germline. Affected: yes.
Comment: Published functional studies of R142C in mice, which corresponds to R143C in humans, demonstrated that knock-in of this variant caused markedly decreased Tgm1 expression and almost no Tgm1 enzyme activity (Nakagawa et al., 2012); In silico analysis supports that this missense variant has a deleterious effect on protein structure/function; This variant is associated with the following publications: (PMID: 25154629, 31953843, 31980526, 19241467, 26220141, 28403434, 27025581, 19262603, 9326318, 22258055, 31589614)

Genome-Nilou Lab
Classification: Pathogenic for Autosomal recessive congenital ichthyosis 1. Review status: criteria provided, single submitter. Criteria: ACMG Guidelines, 2015. Collection method: clinical testing. Allele origin: germline.

Counsyl
Classification: Pathogenic for Autosomal recessive congenital ichthyosis 1. Last evaluated: 2017-04-24. Review status: no assertion criteria provided. Collection method: clinical testing. Allele origin: unknown. Not counted in ClinVar's aggregate classification.

Literature cited by the submitters: PubMed 9326318 (cited by Labcorp Genetics (formerly Invitae), Labcorp and Counsyl); PubMed 26220141 (cited by Labcorp Genetics (formerly Invitae), Labcorp and Counsyl); PubMed 28403434 (cited by Labcorp Genetics (formerly Invitae), Labcorp); PubMed 27025581 (cited by Natera, Inc. and Counsyl); PubMed 22258055 (cited by Natera, Inc. and Counsyl); PubMed 19262603 (cited by Counsyl); PubMed 19241467 (cited by Counsyl).